The following is an entry in ClinVar:

ClinVar aggregate classification (germline): Uncertain significance (1 of 4 stars; one submission).

Allele frequency attached by ClinVar (database versions not stated): gnomAD 0.00001; gnomAD exomes 0.00001; TOPMed 0.00002.
gnomAD v4.1: 16 of 1,551,300 alleles (0.001%); highest among the groups gnomAD compares: Admixed American, 0.0059%; no homozygotes.

Submission:

Labcorp Genetics (formerly Invitae), Labcorp
Classification: Uncertain significance. Last evaluated: 2022-06-27. Review status: criteria provided, single submitter. Criteria: Invitae Variant Classification Sherloc (09022015). Collection method: clinical testing. Allele origin: germline.
Comment: This sequence change replaces arginine, which is basic and polar, with glutamine, which is neutral and polar, at codon 2849 of the EYS protein (p.Arg2849Gln). This variant is present in population databases (no rsID available, gnomAD 0.01%). This variant has not been reported in the literature in individuals affected with EYS-related conditions. Algorithms developed to predict the effect of missense changes on protein structure and function output the following: SIFT: "Deleterious"; PolyPhen-2: "Possibly Damaging"; Align-GVGD: "Class C0". The glutamine amino acid residue is found in multiple mammalian species, which suggests that this missense change does not adversely affect protein function. In summary, the available evidence is currently insufficient to determine the role of this variant in disease. Therefore, it has been classified as a Variant of Uncertain Significance.

NM_001142800.2(EYS):c.8546G>A (p.Arg2849Gln)

Genes: EYS (eyes shut homolog; minus strand), PHF3 (PHD finger protein 3; plus strand). Cytogenetic location: 6q12.
Variant type: single nucleotide variant.
Coding change: c.8546G>A on transcript NM_001142800.2 (MANE Select); coding-DNA position 8546, G replaced by A.
Protein change: p.Arg2849Gln; replaces arginine 2849 with glutamine.
Molecular consequence: missense variant. On other transcripts: 3 prime UTR variant (5).
Genome position (GRCh38, 1-based): chr6:63,721,485, C>T on the plus strand (G>A on the coding strand, the complement: EYS is on the minus strand). VCF-style: chr6-63721485-C-T. GRCh37 (hg19) VCF-style: chr6-64431381-C-T.
Other names: c.*7777C>T (NM_001290259.2, NM_001370348.2, NM_001370349.2 and 2 more transcripts); c.8609G>A, p.Arg2870Gln (NM_001292009.2); short protein forms R2870Q, R2849Q.
Identifiers: ClinVar variation 1448348 (VCV001448348.5), dbSNP rs1203358924, ClinGen allele CA364384522.